The following is an entry in ClinVar:

NM_000264.5(PTCH1):c.407dup (p.Ser137fs)

Gene: PTCH1 (patched 1; minus strand). Cytogenetic location: 9q22.32.
Variant type: Duplication.
Coding change: c.407dup on transcript NM_000264.5 (MANE Select); coding-DNA position 407, one base duplicated (T; older notation c.407dupT).
Protein change: p.Ser137fs; shifts the reading frame from serine 137.
Molecular consequence: frameshift variant. On other transcripts: 5 prime UTR variant (4), non-coding transcript variant (1).
Genome position (GRCh38, 1-based): chr9:95,485,862, A duplicated on the plus strand (T on the coding strand, the reverse complement: PTCH1 is on the minus strand). VCF-style (leftmost placement, unchanged base first): chr9-95485861-T-TA. GRCh37 (hg19) VCF-style: chr9-98248143-T-TA.
Other names: c.209dup, p.Ser71fs (NM_001083602.3, NM_001354919.2); c.404dup, p.Ser136fs (NM_001083603.3); c.-47dup (NM_001083604.3, NM_001083605.3, NM_001083606.3 and 1 more transcripts); c.407dup, p.Ser137fs (NM_001354918.2); c.407dupT (NM_000264.3); short protein forms S136fs, S137fs, S71fs.
Identifiers: ClinVar variation 562011 (VCV000562011.10), dbSNP rs1564063386, ClinGen allele CA645560454.
Genomic context (GRCh38, chr9:95,485,861, plus strand): 5'-TTGAGGATTAAACATAGCCTCTTCTCCAATCTTCTGGCGAGTATAATTTAATTCACGACT[T>TA]ACTCGTCCTCCAACTGACAAATATGTACAGGTTTAATTAGAATAGCAAAATCACTGCAAA-3'

ClinVar aggregate classification (germline): Pathogenic. Review status: criteria provided, single submitter (1 of 4 stars). 2 submissions from 2 submitters: Pathogenic (1). 1 of the submissions does not count toward it. Last evaluated 2019-05-20.

Conditions:
Gorlin syndrome. Also called: Nevoid Basal Cell Carcinoma Syndrome; Basal cell nevus syndrome. Identifiers: Orphanet 377, MedGen C0004779, MONDO:0007187.

Submissions (2):

Labcorp Genetics (formerly Invitae), Labcorp
Classification: Pathogenic for Gorlin syndrome. Last evaluated: 2019-05-20. Review status: criteria provided, single submitter. Criteria: Invitae Variant Classification Sherloc (09022015). Collection method: clinical testing. Allele origin: germline.
Comment: For these reasons, this variant has been classified as Pathogenic. Loss-of-function variants in PTCH1 are known to be pathogenic (PMID: 16301862, 16419085). This variant has not been reported in the literature in individuals with PTCH1-related conditions. ClinVar contains an entry for this variant (Variation ID: 562011). This variant is not present in population databases (ExAC no frequency). This sequence change creates a premature translational stop signal (p.Ser137Lysfs*3) in the PTCH1 gene. It is expected to result in an absent or disrupted protein product.

Hehr Laboratory, Center for Human Genetics Regensburg
Classification: Likely pathogenic for Basal cell nevus syndrome 1. Last evaluated: 2016-12-13. Review status: no assertion criteria provided. Collection method: clinical testing. Allele origin: unknown. Affected: yes. Not counted in ClinVar's aggregate classification.

Literature cited by the submitters: PubMed 16301862 (cited by Labcorp Genetics (formerly Invitae), Labcorp); PubMed 16419085 (cited by Labcorp Genetics (formerly Invitae), Labcorp).